The following is an entry in ClinVar:

NM_001128228.3(TPRN):c.533C>T (p.Ala178Val)

Gene: TPRN (taperin; minus strand). Cytogenetic location: 9q34.3.
Variant type: single nucleotide variant.
Coding change: c.533C>T on transcript NM_001128228.3 (MANE Select); coding-DNA position 533, C replaced by T.
Protein change: p.Ala178Val; replaces alanine 178 with valine.
Molecular consequence: missense variant.
Genome position (GRCh38, 1-based): chr9:137,200,179, G>A on the plus strand (C>T on the coding strand, the complement: TPRN is on the minus strand). VCF-style: chr9-137200179-G-A. GRCh37 (hg19) VCF-style: chr9-140094631-G-A.
Other names: short protein forms A178V.
Identifiers: ClinVar variation 1256787 (VCV001256787.21), dbSNP rs971592946, ClinGen allele CA201721331.

ClinVar aggregate classification (germline): Conflicting classifications of pathogenicity. Review status: criteria provided, conflicting classifications (1 of 4 stars). 5 submissions from 5 submitters: Uncertain significance (1); Benign (1); Likely benign (3). Last evaluated 2025-11-27.

Conditions:
Inborn genetic diseases. Identifiers: MedGen C0950123, MeSH D030342.

Allele frequency attached by ClinVar (database versions not stated): gnomAD exomes 0.00031; gnomAD 0.00396 and 0.00433; 1000 Genomes Project 30x 0.00437.

Submissions (5):

Labcorp Genetics (formerly Invitae), Labcorp
Classification: Uncertain significance. Last evaluated: 2025-11-27. Review status: criteria provided, single submitter. Criteria: Invitae Variant Classification Sherloc (09022015). Collection method: clinical testing. Allele origin: germline.
Comment: This sequence change replaces alanine, which is neutral and non-polar, with valine, which is neutral and non-polar, at codon 178 of the TPRN protein (p.Ala178Val). The frequency data for this variant in the population databases is considered unreliable, as metrics indicate poor data quality at this position in the gnomAD database. This variant has not been reported in the literature in individuals affected with TPRN-related conditions. ClinVar contains an entry for this variant (Variation ID: 1256787). An algorithm developed to predict the effect of missense changes on protein structure and function outputs the following: PolyPhen-2: "Possibly Damaging". The valine amino acid residue is found in multiple mammalian species, which suggests that this missense change does not adversely affect protein function. In summary, the available evidence is currently insufficient to determine the role of this variant in disease. Therefore, it has been classified as a Variant of Uncertain Significance.

CeGaT Center for Human Genetics Tuebingen
Classification: Likely benign. Last evaluated: 2025-01-01. Review status: criteria provided, single submitter. Criteria: CeGaT Center For Human Genetics Tuebingen Variant Classification Criteria Version 2. Collection method: clinical testing. Allele origin: germline. Affected: yes. Observed: 1 variant allele.
Comment: TPRN: BS1

Blueprint Genetics
Classification: Likely benign. Last evaluated: 2024-11-01. Review status: criteria provided, single submitter. Criteria: ACMG Guidelines, 2015. Collection method: clinical testing. Allele origin: germline.

Ambry Genetics
Classification: Likely benign for Inborn genetic diseases. Last evaluated: 2021-08-09. Review status: criteria provided, single submitter. Criteria: Ambry Variant Classification Scheme 2023. Collection method: clinical testing. Allele origin: germline.

GeneDx
Classification: Benign. Last evaluated: 2019-07-31. Review status: criteria provided, single submitter. Criteria: GeneDx Variant Classification Process June 2021. Collection method: clinical testing. Allele origin: germline. Affected: yes.